The following is an entry in ClinVar:

NM_020937.4(FANCM):c.3439G>A (p.Val1147Met)

Gene: FANCM (FA complementation group M; plus strand). Cytogenetic location: 14q21.2.
Variant type: single nucleotide variant.
Coding change: c.3439G>A on transcript NM_020937.4 (MANE Select); coding-DNA position 3439, G replaced by A.
Protein change: p.Val1147Met; replaces valine 1147 with methionine.
Molecular consequence: missense variant.
Genome position (GRCh38, 1-based): chr14:45,176,193, G>A. VCF-style: chr14-45176193-G-A. GRCh37 (hg19) VCF-style: chr14-45645396-G-A.
Other names: c.3361G>A, p.Val1121Met (NM_001308133.2); short protein forms V1121M, V1147M.
Identifiers: ClinVar variation 1806527 (VCV001806527.2), dbSNP rs1888680691, ClinGen allele CA389601558.

ClinVar aggregate classification (germline): Uncertain significance. Review status: criteria provided, multiple submitters, no conflicts (2 of 4 stars). 2 submissions from 2 submitters: Uncertain significance (2). Last evaluated 2024-12-14.

Conditions:
Inborn genetic diseases. Identifiers: MedGen C0950123, MeSH D030342.

Submissions (2):

Ambry Genetics
Classification: Uncertain significance for Inborn genetic diseases. Last evaluated: 2024-12-14. Review status: criteria provided, single submitter. Criteria: Ambry Variant Classification Scheme 2023. Collection method: clinical testing. Allele origin: germline.
Comment: The p.V1147M variant (also known as c.3439G>A), located in coding exon 14 of the FANCM gene, results from a G to A substitution at nucleotide position 3439. The valine at codon 1147 is replaced by methionine, an amino acid with highly similar properties. This amino acid position is conserved. In addition, this alteration is predicted to be tolerated by in silico analysis. Based on the available evidence, the clinical significance of this variant remains unclear.

GeneDx
Classification: Uncertain significance. Last evaluated: 2022-06-20. Review status: criteria provided, single submitter. Criteria: GeneDx Variant Classification Process June 2021. Collection method: clinical testing. Allele origin: germline. Affected: yes.
Comment: Not observed at significant frequency in large population cohorts (gnomAD); In silico analysis supports that this missense variant does not alter protein structure/function; Has not been previously published as pathogenic or benign to our knowledge